The following is an entry in ClinVar:

NM_000287.4(PEX6):c.1774G>T (p.Glu592Ter)

Gene: PEX6 (peroxisomal biogenesis factor 6; minus strand). Cytogenetic location: 6p21.1.
Variant type: single nucleotide variant.
Coding change: c.1774G>T on transcript NM_000287.4 (MANE Select); coding-DNA position 1774, G replaced by T.
Protein change: p.Glu592Ter; replaces glutamic acid 592 with a stop codon.
Molecular consequence: nonsense. On other transcripts: non-coding transcript variant (1).
Genome position (GRCh38, 1-based): chr6:42,967,478, C>A on the plus strand (G>T on the coding strand, the complement: PEX6 is on the minus strand). VCF-style: chr6-42967478-C-A. GRCh37 (hg19) VCF-style: chr6-42935216-C-A.
Other names: c.1510G>T, p.Glu504Ter (NM_001316313.2); short protein forms E504*, E592*.
Identifiers: ClinVar variation 1362435 (VCV001362435.8), dbSNP rs375288192, ClinGen allele CA364153666.
Genomic context (GRCh38, chr6:42,967,478, plus strand): 5'-GGTGGGCAGTGAGGGCCCGCAGGATGCTGAGCCGCTGCCCCTCTGACAGAGCAGGCACCT[C>A]GAGCTCATGAGGAAATGCTGTCTGCACATCAGCAGGCAGGTCCTGGGCCCGGCTTGTGGT-3'

ClinVar aggregate classification (germline): Pathogenic/Likely pathogenic. Review status: criteria provided, multiple submitters, no conflicts (2 of 4 stars). 2 submissions from 2 submitters: Pathogenic (1); Likely pathogenic (1). Last evaluated 2023-12-26.

Conditions:
Heimler syndrome 2 (HMLR2). Also called: PEROXISOME BIOGENESIS DISORDER 4C. Identifiers: Orphanet 3220, MedGen C4225267, OMIM 616617, MONDO:0014709.
Peroxisome biogenesis disorder. Identifiers: Orphanet 79189, MedGen C1832200, MONDO:0019234. Disease mechanism: loss of function.

Submissions (2):

Baylor Genetics
Classification: Likely pathogenic for Heimler syndrome 2. Last evaluated: 2023-12-26. Review status: criteria provided, single submitter. Criteria: ACMG Guidelines, 2015. Collection method: clinical testing. Allele origin: unknown.

Labcorp Genetics (formerly Invitae), Labcorp
Classification: Pathogenic for Peroxisome biogenesis disorder. Last evaluated: 2023-12-13. Review status: criteria provided, single submitter. Criteria: Invitae Variant Classification Sherloc (09022015). Collection method: clinical testing. Allele origin: germline.
Comment: This sequence change creates a premature translational stop signal (p.Glu592*) in the PEX6 gene. It is expected to result in an absent or disrupted protein product. Loss-of-function variants in PEX6 are known to be pathogenic (PMID: 10408779, 21031596, 31831025). This variant is not present in population databases (gnomAD no frequency). This variant has not been reported in the literature in individuals affected with PEX6-related conditions. ClinVar contains an entry for this variant (Variation ID: 1362435). Algorithms developed to predict the effect of sequence changes on RNA splicing suggest that this variant may disrupt the consensus splice site. For these reasons, this variant has been classified as Pathogenic.

Literature cited by the submitters: PubMed 10408779 (cited by Labcorp Genetics (formerly Invitae), Labcorp); PubMed 21031596 (cited by Labcorp Genetics (formerly Invitae), Labcorp); PubMed 31831025 (cited by Labcorp Genetics (formerly Invitae), Labcorp).